The following is an entry in ClinVar:

NM_182972.3(IRF2BP2):c.1022C>G (p.Ala341Gly)

Genes: IRF2BP2 (interferon regulatory factor 2 binding protein 2; minus strand), LOC129932810 (ATAC-STARR-seq lymphoblastoid active region 2760; plus strand). Cytogenetic location: 1q42.3.
Variant type: single nucleotide variant.
Coding change: c.1022C>G on transcript NM_182972.3 (MANE Select); coding-DNA position 1022, C replaced by G.
Protein change: p.Ala341Gly; replaces alanine 341 with glycine.
Molecular consequence: missense variant. On other transcripts: intron variant (1).
Genome position (GRCh38, 1-based): chr1:234,608,473, G>C on the plus strand (C>G on the coding strand, the complement: IRF2BP2 is on the minus strand). VCF-style: chr1-234608473-G-C. GRCh37 (hg19) VCF-style: chr1-234744219-G-C.
Other names: c.1000+22C>G (NM_001077397.1); short protein forms A341G.
Identifiers: ClinVar variation 3611447 (VCV003611447.2).

ClinVar aggregate classification (germline): Uncertain significance (1 of 4 stars; one submission).

Submission:

Labcorp Genetics (formerly Invitae), Labcorp
Classification: Uncertain significance. Last evaluated: 2025-03-10. Review status: criteria provided, single submitter. Criteria: Invitae Variant Classification Sherloc (09022015). Collection method: clinical testing. Allele origin: germline.
Comment: This sequence change replaces alanine, which is neutral and non-polar, with glycine, which is neutral and non-polar, at codon 341 of the IRF2BP2 protein (p.Ala341Gly). This variant is not present in population databases (gnomAD no frequency). This variant has not been reported in the literature in individuals affected with IRF2BP2-related conditions. An algorithm developed to predict the effect of missense changes on protein structure and function (PolyPhen-2) suggests that this variant is likely to be tolerated. Algorithms developed to predict the effect of sequence changes on RNA splicing suggest that this variant may disrupt the consensus splice site. In summary, the available evidence is currently insufficient to determine the role of this variant in disease. Therefore, it has been classified as a Variant of Uncertain Significance.